The following is an entry in ClinVar:

NM_000400.4(ERCC2):c.2002A>C (p.Ile668Leu)

Gene: ERCC2 (ERCC excision repair 2, TFIIH core complex helicase subunit; minus strand). Cytogenetic location: 19q13.32.
Variant type: single nucleotide variant.
Coding change: c.2002A>C on transcript NM_000400.4 (MANE Select); coding-DNA position 2002, A replaced by C.
Protein change: p.Ile668Leu; replaces isoleucine 668 with leucine.
Molecular consequence: missense variant.
Genome position (GRCh38, 1-based): chr19:45,352,550, T>G on the plus strand (A>C on the coding strand, the complement: ERCC2 is on the minus strand). VCF-style: chr19-45352550-T-G. GRCh37 (hg19) VCF-style: chr19-45855808-T-G.
Other names: short protein forms I668L.
Identifiers: ClinVar variation 2602373 (VCV002602373.2), dbSNP rs2513999237, ClinGen allele CA406363009.
Genomic context (GRCh38, chr19:45,352,550, plus strand): 5'-ACCCCTGAAGCTGCACCTTGTCGGCAAAGACCATGAGGCCGTAGTCCGTCTTGCCCCTGA[T>G]GGCCCGACCCACACACTGGGCCGCGTGGCGCATGGCATCGAAGGTAAGAAAGTCATTCTC-3'
Protein context (NP_000391.1, residues 658-678): RHAAQCVGRA[Ile668Leu]RGKTDYGLMV

ClinVar aggregate classification (germline): Uncertain significance (1 of 4 stars; one submission).

Conditions:
Inborn genetic diseases. Identifiers: MedGen C0950123, MeSH D030342.

Submission:

Ambry Genetics
Classification: Uncertain significance for Inborn genetic diseases. Last evaluated: 2023-07-13. Review status: criteria provided, single submitter. Criteria: Ambry Variant Classification Scheme 2023. Collection method: clinical testing. Allele origin: germline.
Comment: The p.I668L variant (also known as c.2002A>C), located in coding exon 21 of the ERCC2 gene, results from an A to C substitution at nucleotide position 2002. The isoleucine at codon 668 is replaced by leucine, an amino acid with highly similar properties. This amino acid position is conserved. In addition, the in silico prediction for this alteration is inconclusive. Since supporting evidence is limited at this time, the clinical significance of this alteration remains unclear.